The following continues an entry in ClinVar:

NM_000051.4(ATM):c.6154G>A (p.Glu2052Lys)

ClinVar aggregate classification (germline): Conflicting classifications of pathogenicity. Pathogenic (2); Likely pathogenic (19); Uncertain significance (5).

Submissions 28 to 29 of 29:

Department of Pathology and Laboratory Medicine, Sinai Health System
Classification: Uncertain significance for Malignant tumor of breast. Review status: no assertion criteria provided. Collection method: clinical testing. Allele origin: unknown. Affected: yes. Study: The Canadian Open Genetics Repository (COGR). Not counted in ClinVar's aggregate classification.
Comment: The ATM p.Glu2052Lys variant was identified in 7 of 1268 proband chromosomes (frequency: 0.006) from individuals with Ataxia Telangiectasia, Cervical Dopa-Responsive Dystonia, and breast or ovarian cancer (Teraoka 1999, Kraus 2017, Charlesworth 2013, Necpal 2017). The variant was identified in dbSNP (rs202206540) as â€šÃ„Ãºwith likely pathogenic alleleâ€šÃ„Ã¹, ClinVar (classified as likely pathogenic by Ambry Genetics and GeneDx; as uncertain significance by Invitae and Color; and as pathogenic by GeneReviews) and LOVD 3.0 (observed 2x). The variant was identified in control databases in 16 of 277,144 chromosomes at a frequency of 0.00006 (Genome Aggregation Database Feb 27, 2017). The variant was observed in the following populations: African in 1 of 24,026 chromosomes (freq: 0.00004), European in 3 of 126,668 chromosomes (freq: 0.00002), and South Asian in 12 of 30,778 chromosomes (freq: 0.0004); it was not observed in the Other, Latino, Ashkenazi Jewish, East Asian or Finnish populations. A Western blot run on a lymphoblastoid cell line derived from a patient with Ataxia-Telangiectasia who was homozygous for this variant showed an absence of ATM protein (Teraoka 1999). Three patients from one family who all presented with Cervical Dopa-Responsive Dystonia were compound heterozygotes for this variant and a pathogenic ATM variant (p.Ile2629Serfs), which segregated in trans (Charlesworth 2013) and another patient that presented with â€šÃ„Ãºvariantâ€šÃ„Ã¹ Ataxia Telangiectasia, a milder form of the disease, was identified as a compound heterozygote with a pathogenic ATM variant (p.Trp1858*) that was shown to occur in trans (Necpal 2017). However, this variant has been identified by an external laboratory as co-occurring in trans with a pathogenic ATM variant in a patient who was not affected with ataxia telangiectasia (Invitae internal data per ClinVar submission dated March 29, 2019). The p.Glu2052 residue is conserved in mammals and computational analyses (PolyPhen-2, SIFT, AlignGVGD, BLOSUM, MutationTaster) provide inconsistent predictions regarding the impact to the protein; this information is not very predictive of pathogenicity. The variant occurs outside of the splicing consensus sequence and in silico or computational prediction software programs (SpliceSiteFinder, MaxEntScan, NNSPLICE, GeneSplicer) do not predict a difference in splicing. In summary, based on the above information, the clinical significance of this variant cannot be determined with certainty at this time. This variant is classified as a variant of uncertain significance.

GeneReviews
No classification provided. Condition: Ataxia-telangiectasia syndrome. Review status: no classification provided. Collection method: literature only. Allele origin: germline. Affected: yes. Not counted in ClinVar's aggregate classification.
Comment: Causes abnormal splicing.

Literature cited by the submitters: PubMed 10330348 (cited by 9 submitters); PubMed 23946315 (cited by 7 submitters); PubMed 30363071 (cited by 9 submitters); PubMed 31216378 (cited by 5 submitters); PubMed 35154108 (cited by 6 submitters); PubMed 27616075 (cited by 6 submitters); PubMed 28888541 (cited by Labcorp Genetics (formerly Invitae), Labcorp); PubMed 29470806 (cited by 7 submitters); PubMed 31407689 (cited by 6 submitters); PubMed 38854973 (cited by 4 submitters); PubMed 30128536 (cited by 4 submitters); PubMed 31125277 (cited by 6 submitters); PubMed 32125938 (cited by 4 submitters); PubMed 32832836 (cited by 3 submitters); PubMed 32860008 (cited by 4 submitters); PubMed 33919281 (cited by 4 submitters); PubMed 35734982 (cited by Color Diagnostics, LLC DBA Color Health and Quest Diagnostics Nichols Institute San Juan Capistrano); PubMed 38118367 (cited by Color Diagnostics, LLC DBA Color Health); PubMed 34606182 (cited by 3 submitters); PubMed 32068069 (cited by Sema4); PubMed 24853695 (cited by Sema4 and Athena Diagnostics); PubMed 34653963 (cited by Sema4); PubMed 21665257 (cited by Sema4); PubMed 25614872 (cited by Sema4); PubMed 32906206 (cited by Women's Health and Genetics/Laboratory Corporation of America, LabCorp); PubMed 25572163 (cited by Women's Health and Genetics/Laboratory Corporation of America, LabCorp); PubMed 29596542 (cited by Athena Diagnostics); PubMed 33098801 (cited by Quest Diagnostics Nichols Institute San Juan Capistrano); PubMed 34426522 (cited by Quest Diagnostics Nichols Institute San Juan Capistrano); PubMed 36243179 (cited by Quest Diagnostics Nichols Institute San Juan Capistrano); NCBI Bookshelf NBK26468 (cited by GeneReviews).